The following is an entry in ClinVar:

NM_001277115.2(DNAH11):c.2600G>T (p.Gly867Val)

Gene: DNAH11 (dynein axonemal heavy chain 11; plus strand). Cytogenetic location: 7p15.3.
Variant type: single nucleotide variant.
Coding change: c.2600G>T on transcript NM_001277115.2 (MANE Select); coding-DNA position 2600, G replaced by T.
Protein change: p.Gly867Val; replaces glycine 867 with valine.
Molecular consequence: missense variant.
Genome position (GRCh38, 1-based): chr7:21,591,510, G>T. VCF-style: chr7-21591510-G-T. GRCh37 (hg19) VCF-style: chr7-21631128-G-T.
Other names: c.2600G>T, p.Gly867Val (NM_003777.3); short protein forms G867V.
Identifiers: ClinVar variation 1793678 (VCV001793678.3), dbSNP rs1307428257, ClinGen allele CA366943046.

ClinVar aggregate classification (germline): Conflicting classifications of pathogenicity. Review status: criteria provided, conflicting classifications (1 of 4 stars). 2 submissions from 2 submitters: Uncertain significance (1); Likely benign (1). Last evaluated 2025-10-08.

Conditions:
Primary ciliary dyskinesia. Also called: Ciliary dyskinesia. Identifiers: Orphanet 244, MedGen C0008780, MONDO:0016575, HP:0012265.

Allele frequency attached by ClinVar (database versions not stated): gnomAD exomes below 0.00001; TOPMed below 0.00001.
gnomAD v4.1: 2 of 1,602,462 alleles (0.00012%); highest among the groups gnomAD compares: Non-Finnish European, 0.00017%; no homozygotes.

Submissions (2):

Labcorp Genetics (formerly Invitae), Labcorp
Classification: Likely benign for Primary ciliary dyskinesia. Last evaluated: 2025-10-08. Review status: criteria provided, single submitter. Criteria: Invitae Variant Classification Sherloc (09022015). Collection method: clinical testing. Allele origin: germline.

Ambry Genetics
Classification: Uncertain significance for Primary ciliary dyskinesia. Last evaluated: 2022-08-01. Review status: criteria provided, single submitter. Criteria: Ambry Variant Classification Scheme 2023. Collection method: clinical testing. Allele origin: germline.
Comment: The p.G867V variant (also known as c.2600G>T), located in coding exon 14 of the DNAH11 gene, results from a G to T substitution at nucleotide position 2600. The glycine at codon 867 is replaced by valine, an amino acid with dissimilar properties. This amino acid position is conserved. In addition, this alteration is predicted to be tolerated by in silico analysis. Since supporting evidence is limited at this time, the clinical significance of this alteration remains unclear.